The following is an entry in ClinVar:

ClinVar aggregate classification (germline): Uncertain significance. Review status: criteria provided, multiple submitters, no conflicts (2 of 4 stars). 2 submissions from 2 submitters: Uncertain significance (2). Last evaluated 2024-03-25.

Conditions:
Stüve-Wiedemann syndrome 1. Also called: STUVE-WIEDEMANN/SCHWARTZ-JAMPEL TYPE 2 SYNDROME. Identifiers: Orphanet 3206, MedGen C5676888, MONDO:0800043, OMIM 601559.

Allele frequency attached by ClinVar (database versions not stated): TOPMed 0.00001; gnomAD 0.00002.
gnomAD v4.1: 18 of 1,584,780 alleles (0.0011%); highest among the groups gnomAD compares: Non-Finnish European, 0.0015%; no homozygotes.

Submissions (2):

Fulgent Genetics
Classification: Uncertain significance for Stüve-Wiedemann syndrome 1. Last evaluated: 2024-03-25. Review status: criteria provided, single submitter. Criteria: ACMG Guidelines, 2015. Collection method: clinical testing. Allele origin: germline.

Labcorp Genetics (formerly Invitae), Labcorp
Classification: Uncertain significance. Last evaluated: 2022-04-18. Review status: criteria provided, single submitter. Criteria: Invitae Variant Classification Sherloc (09022015). Collection method: clinical testing. Allele origin: germline.
Comment: This sequence change replaces isoleucine, which is neutral and non-polar, with threonine, which is neutral and polar, at codon 920 of the LIFR protein (p.Ile920Thr). This variant is present in population databases (no rsID available, gnomAD 0.001%). This variant has not been reported in the literature in individuals affected with LIFR-related conditions. Algorithms developed to predict the effect of missense changes on protein structure and function output the following: SIFT: "Deleterious"; PolyPhen-2: "Possibly Damaging"; Align-GVGD: "Class C55". The threonine amino acid residue is found in multiple mammalian species, which suggests that this missense change does not adversely affect protein function. Algorithms developed to predict the effect of sequence changes on RNA splicing suggest that this variant may create or strengthen a splice site. In summary, the available evidence is currently insufficient to determine the role of this variant in disease. Therefore, it has been classified as a Variant of Uncertain Significance.

NM_001127671.2(LIFR):c.2759T>C (p.Ile920Thr)

Gene: LIFR (LIF receptor subunit alpha; minus strand). Cytogenetic location: 5p13.1.
Variant type: single nucleotide variant.
Coding change: c.2759T>C on transcript NM_001127671.2 (MANE Select); coding-DNA position 2759, T replaced by C.
Protein change: p.Ile920Thr; replaces isoleucine 920 with threonine.
Molecular consequence: missense variant.
Genome position (GRCh38, 1-based): chr5:38,482,130, A>G on the plus strand (T>C on the coding strand, the complement: LIFR is on the minus strand). VCF-style: chr5-38482130-A-G. GRCh37 (hg19) VCF-style: chr5-38482232-A-G.
Other names: c.2759T>C, p.Ile920Thr (NM_001364297.2, NM_002310.6); c.2726T>C, p.Ile909Thr (NM_001364298.2); short protein forms I909T, I920T.
Identifiers: ClinVar variation 2188584 (VCV002188584.2), dbSNP rs1372457471, ClinGen allele CA359534291.